The following is an entry in ClinVar:

NM_001040272.6(ADAMTSL1):c.4568A>G (p.Asn1523Ser)

Gene: ADAMTSL1 (ADAMTS like 1; plus strand). Cytogenetic location: 9p22.1.
Variant type: single nucleotide variant.
Coding change: c.4568A>G on transcript NM_001040272.6 (MANE Select); coding-DNA position 4568, A replaced by G.
Protein change: p.Asn1523Ser; replaces asparagine 1523 with serine.
Molecular consequence: missense variant.
Genome position (GRCh38, 1-based): chr9:18,889,673, A>G. VCF-style: chr9-18889673-A-G. GRCh37 (hg19) VCF-style: chr9-18889671-A-G.
Other names: short protein forms N1523S.
Identifiers: ClinVar variation 2406661 (VCV002406661.4), dbSNP rs756681951, ClinGen allele CA5000113.
Genomic context (GRCh38, chr9:18,889,673, plus strand): 5'-GTGGTAACCGGGGGGTTCAGCAGCCCCGCTTGAGGTGCCTGCTGAACAGCACGGAGGTCA[A>G]CCCTGCCCACTGCGCAGGGAAGGTTCGCCCTGCGGTGCAGCCCATCGCGTGCAACCGGAG-3'
Protein context (NP_001035362.3, residues 1513-1533): LRCLLNSTEV[Asn1523Ser]PAHCAGKVRP

ClinVar aggregate classification (germline): Likely benign. Review status: criteria provided, single submitter (1 of 4 stars). 2 submissions from 2 submitters: Likely benign (1). 1 of the submissions does not count toward it. Last evaluated 2021-06-23.

Conditions:
ADAMTSL1-related disorder. Also called: ADAMTSL1-related condition.

gnomAD v4.1: 274 of 1,604,946 alleles (0.017%); highest among the groups gnomAD compares: Middle Eastern, 0.17%; no homozygotes.

Submissions (2):

Ambry Genetics
Classification: Likely benign. Last evaluated: 2021-06-23. Review status: criteria provided, single submitter. Criteria: Ambry Variant Classification Scheme 2023. Collection method: clinical testing. Allele origin: germline.

PreventionGenetics, part of Exact Sciences
Classification: Likely benign for ADAMTSL1-related condition. Last evaluated: 2022-03-09. Review status: no assertion criteria provided. Collection method: clinical testing. Allele origin: germline. Not counted in ClinVar's aggregate classification.
Comment: This variant is classified as likely benign based on ACMG/AMP sequence variant interpretation guidelines (Richards et al. 2015 PMID: 25741868, with internal and published modifications).